The following is an entry in ClinVar:

ClinVar aggregate classification (germline): Likely pathogenic (1 of 4 stars; one submission).

Allele frequency attached by ClinVar (database versions not stated): gnomAD exomes below 0.00001.
gnomAD v4.1: 1 of 1,614,162 alleles (0.000062%); highest among the groups gnomAD compares: Non-Finnish European, 0.000085%; no homozygotes.

Submission:

Labcorp Genetics (formerly Invitae), Labcorp
Classification: Likely pathogenic. Last evaluated: 2023-01-13. Review status: criteria provided, single submitter. Criteria: Invitae Variant Classification Sherloc (09022015). Collection method: clinical testing. Allele origin: germline.
Comment: In summary, the currently available evidence indicates that the variant is pathogenic, but additional data are needed to prove that conclusively. Therefore, this variant has been classified as Likely Pathogenic. Algorithms developed to predict the effect of sequence changes on RNA splicing suggest that this variant may disrupt the consensus splice site. This variant has not been reported in the literature in individuals affected with VLDLR-related conditions. This variant is not present in population databases (gnomAD no frequency). This sequence change affects a donor splice site in intron 8 of the VLDLR gene. It is expected to disrupt RNA splicing. Variants that disrupt the donor or acceptor splice site typically lead to a loss of protein function (PMID: 16199547), and loss-of-function variants in VLDLR are known to be pathogenic (PMID: 18043714, 18326629, 22532556).

Literature cited by the submitters: PubMed 16199547; PubMed 18043714; PubMed 18326629; PubMed 22532556.

NM_003383.5(VLDLR):c.1186+1G>A

Gene: VLDLR (very low density lipoprotein receptor; plus strand). Cytogenetic location: 9p24.2.
Variant type: single nucleotide variant.
Coding change: c.1186+1G>A on transcript NM_003383.5 (MANE Select); the canonical splice donor site of the intron after coding-DNA position 1186, G replaced by A.
Molecular consequence: splice donor variant.
Genome position (GRCh38, 1-based): chr9:2,644,854, G>A. VCF-style: chr9-2644854-G-A. GRCh37 (hg19) VCF-style: chr9-2644854-G-A.
Other names: c.1186+1G>A (NM_001018056.3); c.1063+1G>A (NM_001322225.2, NM_001322226.2).
Identifiers: ClinVar variation 2888335 (VCV002888335.3), dbSNP rs2488728643, ClinGen allele CA372793622.